The following is an entry in ClinVar:

ClinVar aggregate classification (germline): Benign (0 of 4 stars; one submission).

Conditions:
ADGRL2-related disorder. Also called: ADGRL2-related condition.

Allele frequency attached by ClinVar (database versions not stated): TOPMed 0.00071; ESP Exome Variant Server 0.00085; gnomAD 0.00086; gnomAD exomes 0.00120; ExAC 0.00178; 1000 Genomes Project 30x 0.00203; 1000 Genomes Project 0.00240.
gnomAD v4.1: 1,929 of 1,613,904 alleles (0.12%); highest among the groups gnomAD compares: Middle Eastern, 0.87%; 17 homozygotes.

Submission:

PreventionGenetics, part of Exact Sciences
Classification: Benign for ADGRL2-related condition. Last evaluated: 2019-02-19. Review status: no assertion criteria provided. Collection method: clinical testing. Allele origin: germline.
Comment: This variant is classified as benign based on ACMG/AMP sequence variant interpretation guidelines (Richards et al. 2015 PMID: 25741868, with internal and published modifications).

NM_001366006.2(ADGRL2):c.4180C>G (p.Pro1394Ala)

Gene: ADGRL2 (adhesion G protein-coupled receptor L2; plus strand). Cytogenetic location: 1p31.1.
Variant type: single nucleotide variant.
Coding change: c.4180C>G on transcript NM_001366006.2 (MANE Select); coding-DNA position 4180, C replaced by G.
Protein change: p.Pro1394Ala; replaces proline 1394 with alanine.
Molecular consequence: missense variant. On other transcripts: 3 prime UTR variant (8), non-coding transcript variant (1).
Genome position (GRCh38, 1-based): chr1:81,990,915, C>G. VCF-style: chr1-81990915-C-G. GRCh37 (hg19) VCF-style: chr1-82456599-C-G.
Other names: c.3982C>G, p.Pro1328Ala (NM_001297704.3, NM_001366002.2, NM_001393351.1 and 2 more transcripts); c.*554C>G (NM_001297705.3); c.*513C>G (NM_001297706.3, NM_001366009.2, NM_001393353.1); c.4021C>G, p.Pro1341Ala (NM_001330645.3, NM_001393350.1); c.4162C>G, p.Pro1388Ala (NM_001350698.2, NM_001366003.2, NM_001366004.2 and 1 more transcripts); c.*572C>G (NM_001350699.2, NM_001393354.1); c.4180C>G, p.Pro1394Ala (NM_001366005.2); c.*540C>G (NM_001366007.2, NM_001366008.2); short protein forms P1328A, P1341A, P1388A, P1394A.
Identifiers: ClinVar variation 3043712 (VCV003043712.2), dbSNP rs142267708, ClinGen allele CA923265.